The following is an entry in ClinVar:

ClinVar aggregate classification (germline): Uncertain significance (1 of 4 stars; one submission).

gnomAD v4.1: 1 of 1,614,196 alleles (0.000062%); highest among the groups gnomAD compares: Non-Finnish European, 0.000085%; no homozygotes.

Submission:

Labcorp Genetics (formerly Invitae), Labcorp
Classification: Uncertain significance. Last evaluated: 2024-12-22. Review status: criteria provided, single submitter. Criteria: Invitae Variant Classification Sherloc (09022015). Collection method: clinical testing. Allele origin: germline.
Comment: This sequence change replaces leucine, which is neutral and non-polar, with phenylalanine, which is neutral and non-polar, at codon 310 of the EPAS1 protein (p.Leu310Phe). This variant is not present in population databases (gnomAD no frequency). This variant has not been reported in the literature in individuals affected with EPAS1-related conditions. An algorithm developed to predict the effect of missense changes on protein structure and function (PolyPhen-2) suggests that this variant is likely to be disruptive. In summary, the available evidence is currently insufficient to determine the role of this variant in disease. Therefore, it has been classified as a Variant of Uncertain Significance.

NM_001430.5(EPAS1):c.928C>T (p.Leu310Phe)

Gene: EPAS1 (endothelial PAS domain protein 1; plus strand). Cytogenetic location: 2p21.
Variant type: single nucleotide variant.
Coding change: c.928C>T on transcript NM_001430.5 (MANE Select); coding-DNA position 928, C replaced by T.
Protein change: p.Leu310Phe; replaces leucine 310 with phenylalanine.
Molecular consequence: missense variant.
Genome position (GRCh38, 1-based): chr2:46,375,731, C>T. VCF-style: chr2-46375731-C-T. GRCh37 (hg19) VCF-style: chr2-46602870-C-T.
Other names: short protein forms L310F.
Identifiers: ClinVar variation 3727781 (VCV003727781.2).
Genomic context (GRCh38, chr2:46,375,731, plus strand): 5'-TCTGTTTCTCCTCCCCTAGTGTGCACCAAGGGTCAGGTAGTAAGTGGCCAGTACCGGATG[C>T]TCGCAAAGCATGGGGGCTACGTGTGGCTGGAGACCCAGGGGACGGTCATCTACAACCCTC-3'
Protein context (NP_001421.2, residues 300-320): GQVVSGQYRM[Leu310Phe]AKHGGYVWLE